The following is an entry in ClinVar:

ClinVar aggregate classification (germline): Uncertain significance (1 of 4 stars; one submission).

Conditions:
Inborn genetic diseases. Identifiers: MedGen C0950123, MeSH D030342.

Submission:

Ambry Genetics
Classification: Uncertain significance for Inborn genetic diseases. Last evaluated: 2022-02-21. Review status: criteria provided, single submitter. Criteria: Ambry Variant Classification Scheme 2023. Collection method: clinical testing. Allele origin: germline.
Comment: The p.S486Y variant (also known as c.1457C>A), located in coding exon 11 of the BUB1B gene, results from a C to A substitution at nucleotide position 1457. The serine at codon 486 is replaced by tyrosine, an amino acid with dissimilar properties. This amino acid position is conserved. In addition, this alteration is predicted to be tolerated by in silico analysis. Since supporting evidence is limited at this time, the clinical significance of this alteration remains unclear.

NM_001211.6(BUB1B):c.1457C>A (p.Ser486Tyr)

Gene: BUB1B (BUB1 mitotic checkpoint serine/threonine kinase B; plus strand). Cytogenetic location: 15q15.1.
Variant type: single nucleotide variant.
Coding change: c.1457C>A on transcript NM_001211.6 (MANE Select); coding-DNA position 1457, C replaced by A.
Protein change: p.Ser486Tyr; replaces serine 486 with tyrosine.
Molecular consequence: missense variant.
Genome position (GRCh38, 1-based): chr15:40,200,299, C>A. VCF-style: chr15-40200299-C-A. GRCh37 (hg19) VCF-style: chr15-40492500-C-A.
Other names: short protein forms S486Y.
Identifiers: ClinVar variation 1773074 (VCV001773074.2), dbSNP rs2542556094, ClinGen allele CA391689907.